The following is an entry in ClinVar:

NM_013266.4(CTNNA3):c.194C>G (p.Ala65Gly)

Gene: CTNNA3 (catenin alpha 3; minus strand). Cytogenetic location: 10q21.3.
Variant type: single nucleotide variant.
Coding change: c.194C>G on transcript NM_013266.4 (MANE Select); coding-DNA position 194, C replaced by G.
Protein change: p.Ala65Gly; replaces alanine 65 with glycine.
Molecular consequence: missense variant.
Genome position (GRCh38, 1-based): chr10:67,606,955, G>C on the plus strand (C>G on the coding strand, the complement: CTNNA3 is on the minus strand). VCF-style: chr10-67606955-G-C. GRCh37 (hg19) VCF-style: chr10-69366713-G-C.
Other names: c.194C>G, p.Ala65Gly (NM_001127384.3); c.230C>G, p.Ala77Gly (NM_001291133.2); short protein forms A77G, A65G.
Identifiers: ClinVar variation 4008027 (VCV004008027.1).

ClinVar aggregate classification (germline): Uncertain significance (1 of 4 stars; one submission).

Submission:

Ambry Genetics
Classification: Uncertain significance. Last evaluated: 2025-06-01. Review status: criteria provided, single submitter. Criteria: Ambry Variant Classification Scheme 2023. Collection method: clinical testing. Allele origin: germline.
Comment: The p.A65G variant (also known as c.194C>G), located in coding exon 2 of the CTNNA3 gene, results from a C to G substitution at nucleotide position 194. The alanine at codon 65 is replaced by glycine, an amino acid with similar properties. This amino acid position is conserved. In addition, this alteration is predicted to be deleterious by in silico analysis. Based on the available evidence, the clinical significance of this variant remains unclear.